The following is an entry in ClinVar:

ClinVar aggregate classification (germline): Pathogenic (1 of 4 stars; one submission).

Conditions:
Retinal disorder. Also called: Retinopathy; Retinopathies; Retinal Diseases; Retinal disorders. Identifiers: MedGen C0035309, MONDO:0005283, HP:0000488.

Submission:

Genetics Laboratory, Great Ormond Street Hospital NHS Foundation Trust, North Thames Genomic Laboratory Hub
Classification: Pathogenic for Retinal disorders. Last evaluated: 2026-02-25. Review status: criteria provided, single submitter. Criteria: ACGS Best Practice Guidelines for Variant Classification in Rare Disease 2024 v1.2. Collection method: clinical testing. Allele origin: germline. Affected: yes.
Comment: PM2_moderate, PVS1_very-strong

NM_001034853.2(RPGR):c.817C>T (p.Gln273Ter)

Gene: RPGR (retinitis pigmentosa GTPase regulator; minus strand). Cytogenetic location: Xp11.4.
Variant type: single nucleotide variant.
Coding change: c.817C>T on transcript NM_001034853.2 (MANE Select); coding-DNA position 817, C replaced by T.
Protein change: p.Gln273Ter; replaces glutamine 273 with a stop codon.
Molecular consequence: nonsense. On other transcripts: non-coding transcript variant (5).
Genome position (GRCh38, 1-based): chrX:38,304,752, G>A on the plus strand (C>T on the coding strand, the complement: RPGR is on the minus strand). VCF-style: chrX-38304752-G-A. GRCh37 (hg19) VCF-style: chrX-38164005-G-A.
Other names: c.847C>T, p.Gln283Ter (NM_001367248.1); c.814C>T, p.Gln272Ter (NM_001367249.1, NM_001367250.1, NM_001367245.1); c.817C>T, p.Gln273Ter (NM_001367251.1, NM_000328.3, NM_001367246.1 and 1 more transcripts); short protein forms Q272*, Q273*, Q283*.
Identifiers: ClinVar variation 4845244 (VCV004845244.1).